The following is an entry in ClinVar:

NM_004360.5(CDH1):c.1913G>A (p.Trp638Ter)

Gene: CDH1 (cadherin 1; plus strand). Cytogenetic location: 16q22.1.
Variant type: single nucleotide variant.
Coding change: c.1913G>A on transcript NM_004360.5 (MANE Select); coding-DNA position 1913, G replaced by A.
Protein change: p.Trp638Ter; replaces tryptophan 638 with a stop codon.
Molecular consequence: nonsense. On other transcripts: 5 prime UTR variant (1).
Genome position (GRCh38, 1-based): chr16:68,822,202, G>A. VCF-style: chr16-68822202-G-A. GRCh37 (hg19) VCF-style: chr16-68856105-G-A.
Other names: c.1730G>A, p.Trp577Ter (NM_001317184.2); c.365G>A, p.Trp122Ter (NM_001317185.2); c.-53G>A (NM_001317186.2); short protein forms W638*, W122*, W577*.
Identifiers: ClinVar variation 599651 (VCV000599651.15), dbSNP rs1567512585, ClinGen allele CA396467238.

ClinVar aggregate classification (germline): Pathogenic. Review status: reviewed by expert panel (3 of 4 stars). 3 submissions from 3 submitters: Pathogenic (1). 2 of the submissions do not count toward it. Last evaluated 2023-08-29.

Conditions:
Hereditary diffuse gastric adenocarcinoma (HDGC). Also called: DIFFUSE GASTRIC AND LOBULAR BREAST CANCER SYNDROME. Identifiers: Orphanet 26106, MedGen C1708349, MONDO:0007648, OMIM 137215.
CDH1-related diffuse gastric and lobular breast cancer syndrome. Also called: CDH1-related diffuse gastric and lobular breast cancer. Identifiers: MedGen CN311521, MONDO:0100488.

Submissions (3):

Clingen Gastric Cancer Variant Curation Expert Panel
Classification: Pathogenic for CDH1-related diffuse gastric and lobular breast cancer syndrome. Last evaluated: 2023-08-29. Review status: reviewed by expert panel. Criteria: ClinGen CDH1 ACMG Specifications V3.1. Collection method: curation. Allele origin: germline. Inheritance: Autosomal dominant inheritance.
Comment: The c.1913G>A (p.Trp638*) variant is predicted to result in a premature stop codon that leads to a truncated or absent protein (PVS1, PM5_Supporting). The variant is absent in the gnomAD cohort (PM2_Supporting). This variant has been reported in at least one family meeting HDGC clinical criteria (PS4_Supporting; PMID: 17955726). In summary, this variant meets criteria to be classified as pathogenic based on the ACMG/AMP criteria applied as specified by the CDH1 Variant Curation Expert Panel (Variant Interpretation Guidelines Version 3.1): PVS1, PM2_Supporting, PS4_Supporting, PM5_Supporting.

Myriad Genetics, Inc.
Classification: Pathogenic for Hereditary diffuse gastric adenocarcinoma. Last evaluated: 2023-06-14. Review status: criteria provided, single submitter. Criteria: Myriad Autosomal Dominant, Autosomal Recessive and X-Linked Classification Criteria (2023). Collection method: clinical testing. Allele origin: unknown. Not counted in ClinVar's aggregate classification.
Comment: This variant is considered pathogenic. This variant creates a termination codon and is predicted to result in premature protein truncation.

Labcorp Genetics (formerly Invitae), Labcorp
Classification: Pathogenic for Hereditary diffuse gastric adenocarcinoma. Last evaluated: 2020-11-30. Review status: criteria provided, single submitter. Criteria: Invitae Variant Classification Sherloc (09022015). Collection method: clinical testing. Allele origin: germline. Not counted in ClinVar's aggregate classification.
Comment: For these reasons, this variant has been classified as Pathogenic. This variant has been observed in individual(s) with diffuse gastric cancer (PMID: 17545690, 17955726). ClinVar contains an entry for this variant (Variation ID: 599651). This variant is not present in population databases (ExAC no frequency). This sequence change creates a premature translational stop signal (p.Trp638*) in the CDH1 gene. It is expected to result in an absent or disrupted protein product. Loss-of-function variants in CDH1 are known to be pathogenic (PMID: 15235021, 20373070).

Literature cited by the submitters: PubMed 17955726 (cited by Clingen Gastric Cancer Variant Curation Expert Panel and Labcorp Genetics (formerly Invitae), Labcorp); PubMed 17545690 (cited by Labcorp Genetics (formerly Invitae), Labcorp); PubMed 15235021 (cited by Labcorp Genetics (formerly Invitae), Labcorp); PubMed 20373070 (cited by Labcorp Genetics (formerly Invitae), Labcorp).